The following is an entry in ClinVar:

NM_020987.5(ANK3):c.3844A>C (p.Arg1282=)

Gene: ANK3 (ankyrin 3; minus strand). Cytogenetic location: 10q21.2.
Variant type: single nucleotide variant.
Coding change: c.3844A>C on transcript NM_020987.5 (MANE Select); coding-DNA position 3844, A replaced by C.
Protein change: p.Arg1282=; no amino-acid change (arginine 1282 retained).
Molecular consequence: synonymous variant.
Genome position (GRCh38, 1-based): chr10:60,085,158, T>G on the plus strand (A>C on the coding strand, the complement: ANK3 is on the minus strand). VCF-style: chr10-60085158-T-G. GRCh37 (hg19) VCF-style: chr10-61844916-T-G.
Other names: c.1246A>C, p.Arg416= (NM_001149.4); c.3826A>C, p.Arg1276= (NM_001204403.2); c.3847A>C, p.Arg1283= (NM_001204404.2); c.3844A>C, p.Arg1282= (NM_001320874.2).
Identifiers: ClinVar variation 4529515 (VCV004529515.1).
Genomic context (GRCh38, chr10:60,085,158, plus strand): 5'-TTCCAAAAGGTAATAAAAACTAATTCCTTACTGCTTTTTGGAATCCTTTATTTCCATACC[T>G]GGCTGAAACATTGGTTGTAAAGGAGACACAATCTTTTATAAACGTCAAAGGAGTTGTTCC-3'
Protein context (NP_066267.2, residues 1272-1292): CVSFTTNVSA[Arg1282=]FWLADCHQVL

ClinVar aggregate classification (germline): Uncertain significance (1 of 4 stars; one submission).

gnomAD v4.1: 1 of 1,608,374 alleles (0.000062%); highest among the groups gnomAD compares: Non-Finnish European, 0.000085%; no homozygotes.

Submission:

GeneDx
Classification: Uncertain significance. Last evaluated: 2025-05-15. Review status: criteria provided, single submitter. Criteria: GeneDx Variant Classification Process June 2021. Collection method: clinical testing. Allele origin: germline. Affected: yes.
Comment: Not observed at significant frequency in large population cohorts (gnomAD); In silico analysis supports a deleterious effect on splicing; Has not been previously published as pathogenic or benign to our knowledge